The following is an entry in ClinVar:

ClinVar aggregate classification (germline): Benign/Likely benign. Review status: criteria provided, multiple submitters, no conflicts (2 of 4 stars). 5 submissions from 5 submitters: Benign (1); Likely benign (4). Last evaluated 2026-01-28.

Conditions:
Prostate cancer, hereditary, 9 (HPC9). Identifiers: Orphanet 1331, MedGen C1970250, MONDO:0012597, OMIM 610997.
Hereditary cancer-predisposing syndrome. Also called: Hereditary neoplastic syndrome; Tumor predisposition; Neoplastic Syndromes, Hereditary; Hereditary Cancer Syndrome. Identifiers: Orphanet 140162, MedGen C0027672, MeSH D009386, MONDO:0015356.

Allele frequency attached by ClinVar (database versions not stated): gnomAD 0.00003; TOPMed 0.00003; gnomAD exomes 0.00004; ExAC 0.00005.

Submissions (5):

Labcorp Genetics (formerly Invitae), Labcorp
Classification: Likely benign. Last evaluated: 2026-01-28. Review status: criteria provided, single submitter. Criteria: Invitae Variant Classification Sherloc (09022015). Collection method: clinical testing. Allele origin: germline.

Quest Diagnostics Nichols Institute San Juan Capistrano
Classification: Likely benign. Last evaluated: 2025-10-07. Review status: criteria provided, single submitter. Criteria: Quest Diagnostics criteria. Collection method: clinical testing. Allele origin: unknown.

Myriad Genetics, Inc.
Classification: Benign for Prostate cancer, hereditary, 9. Last evaluated: 2024-10-29. Review status: criteria provided, single submitter. Criteria: Myriad Autosomal Dominant, Autosomal Recessive and X-Linked Classification Criteria (2023). Collection method: clinical testing. Allele origin: unknown.
Comment: This variant is considered benign. This variant is a silent/synonymous amino acid change and it is not expected to impact splicing.

CeGaT Center for Human Genetics Tuebingen
Classification: Likely benign. Last evaluated: 2024-08-01. Review status: criteria provided, single submitter. Criteria: CeGaT Center For Human Genetics Tuebingen Variant Classification Criteria Version 2. Collection method: clinical testing. Allele origin: germline. Affected: yes. Observed: 2 variant alleles.
Comment: HOXB13: BP4, BP7

Ambry Genetics
Classification: Likely benign for Hereditary cancer-predisposing syndrome. Last evaluated: 2017-06-02. Review status: criteria provided, single submitter. Criteria: Ambry Variant Classification Scheme 2023. Collection method: clinical testing. Allele origin: germline.

NM_006361.6(HOXB13):c.210C>T (p.Pro70=)

Gene: HOXB13 (homeobox B13; minus strand). Cytogenetic location: 17q21.32.
Variant type: single nucleotide variant.
Coding change: c.210C>T on transcript NM_006361.6 (MANE Select); coding-DNA position 210, C replaced by T.
Protein change: p.Pro70=; no amino-acid change (proline 70 retained).
Molecular consequence: synonymous variant.
Genome position (GRCh38, 1-based): chr17:48,728,384, G>A on the plus strand (C>T on the coding strand, the complement: HOXB13 is on the minus strand). VCF-style: chr17-48728384-G-A. GRCh37 (hg19) VCF-style: chr17-46805746-G-A.
Identifiers: ClinVar variation 483483 (VCV000483483.40), dbSNP rs768670673, ClinGen allele CA8634042.